The following is an entry in ClinVar:

NM_002454.3(MTRR):c.397G>C (p.Val133Leu)

Gene: MTRR (5-methyltetrahydrofolate-homocysteine methyltransferase reductase; plus strand). Cytogenetic location: 5p15.31.
Variant type: single nucleotide variant.
Coding change: c.397G>C on transcript NM_002454.3 (MANE Select); coding-DNA position 397, G replaced by C.
Protein change: p.Val133Leu; replaces valine 133 with leucine.
Molecular consequence: missense variant. On other transcripts: non-coding transcript variant (14).
Genome position (GRCh38, 1-based): chr5:7,875,371, G>C. VCF-style: chr5-7875371-G-C. GRCh37 (hg19) VCF-style: chr5-7875484-G-C.
Other names: c.397G>C, p.Val133Leu (NM_001364440.2, NM_001364441.2, NM_001364442.2 and 1 more transcripts); short protein forms V133L.
Identifiers: ClinVar variation 1422923 (VCV001422923.3), dbSNP rs770923981, ClinGen allele CA359156635.

ClinVar aggregate classification (germline): Uncertain significance (1 of 4 stars; one submission).

Conditions:
Methylcobalamin deficiency type cblE (HMAE). Also called: VITAMIN B12-RESPONSIVE HOMOCYSTINURIA, cblE TYPE; HOMOCYSTINURIA-MEGALOBLASTIC ANEMIA, cblE COMPLEMENTATION TYPE; HOMOCYSTINURIA-MEGALOBLASTIC ANEMIA, cblE TYPE. Identifiers: Orphanet 2169, Orphanet 622, MedGen C1856057, MONDO:0009354, OMIM 236270.

Allele frequency attached by ClinVar (database versions not stated): gnomAD exomes below 0.00001 and 0.00002.
gnomAD v4.1: 26 of 1,606,188 alleles (0.0016%); highest among the groups gnomAD compares: Non-Finnish European, 0.0022%; no homozygotes.

Submission:

Labcorp Genetics (formerly Invitae), Labcorp
Classification: Uncertain significance for Methylcobalamin deficiency type cblE. Last evaluated: 2021-12-02. Review status: criteria provided, single submitter. Criteria: Invitae Variant Classification Sherloc (09022015). Collection method: clinical testing. Allele origin: germline.
Comment: This sequence change replaces valine, which is neutral and non-polar, with leucine, which is neutral and non-polar, at codon 133 of the MTRR protein (p.Val133Leu). This variant is present in population databases (no rsID available, gnomAD 0.0009%). This variant has not been reported in the literature in individuals affected with MTRR-related conditions. Algorithms developed to predict the effect of missense changes on protein structure and function are either unavailable or do not agree on the potential impact of this missense change (SIFT: "Deleterious"; PolyPhen-2: "Probably Damaging"; Align-GVGD: "Class C0"). In summary, the available evidence is currently insufficient to determine the role of this variant in disease. Therefore, it has been classified as a Variant of Uncertain Significance.